The following is an entry in ClinVar:

NM_001080442.3(SLC38A8):c.633-2A>C

Gene: SLC38A8 (solute carrier family 38 member 8; minus strand). Cytogenetic location: 16q23.3.
Variant type: single nucleotide variant.
Coding change: c.633-2A>C on transcript NM_001080442.3 (MANE Select); the canonical splice acceptor site of the intron before coding-DNA position 633, A replaced by C.
Molecular consequence: splice acceptor variant.
Genome position (GRCh38, 1-based): chr16:84,029,553, T>G on the plus strand (A>C on the coding strand, the complement: SLC38A8 is on the minus strand). VCF-style: chr16-84029553-T-G. GRCh37 (hg19) VCF-style: chr16-84063158-T-G.
Identifiers: ClinVar variation 2993931 (VCV002993931.4), dbSNP rs1264151343, ClinGen allele CA396937272.

ClinVar aggregate classification (germline): Likely pathogenic. Review status: criteria provided, multiple submitters, no conflicts (2 of 4 stars). 2 submissions from 2 submitters: Likely pathogenic (2). Last evaluated 2026-02-02.

Conditions:
Foveal hypoplasia - optic nerve decussation defect - anterior segment dysgenesis syndrome. Also called: FOVEAL HYPOPLASIA 2 WITH OR WITHOUT OPTIC NERVE MISROUTING AND/OR ANTERIOR SEGMENT DYSGENESIS; FOVEAL HYPOPLASIA 2 WITH OR WITHOUT MICROPHTHALMIA OR COLOBOMA; FOVEAL HYPOPLASIA 2 WITH OPTIC NERVE DECUSSATION DEFECTS AND ANTERIOR SEGMENT DYSGENESIS WITHOUT ALBINISM; Foveal hypoplasia 2. Identifiers: Orphanet 397618, MedGen C3807873, MONDO:0012216, OMIM 609218.

Allele frequency attached by ClinVar (database versions not stated): gnomAD 0.00002; gnomAD exomes 0.00001; TOPMed 0.00002.
gnomAD v4.1: 9 of 1,613,936 alleles (0.00056%); highest among the groups gnomAD compares: African/African-American, 0.0053%; no homozygotes.

Submissions (2):

Labcorp Genetics (formerly Invitae), Labcorp
Classification: Likely pathogenic. Last evaluated: 2026-02-02. Review status: criteria provided, single submitter. Criteria: Invitae Variant Classification Sherloc (09022015). Collection method: clinical testing. Allele origin: germline.
Comment: This sequence change affects an acceptor splice site in intron 4 of the SLC38A8 gene. It is expected to disrupt RNA splicing. Variants that disrupt the donor or acceptor splice site typically lead to a loss of protein function (PMID: 16199547), and loss-of-function variants in SLC38A8 are known to be pathogenic (PMID: 24290379). This variant is present in population databases (no rsID available, gnomAD 0.007%). This variant has not been reported in the literature in individuals affected with SLC38A8-related conditions. ClinVar contains an entry for this variant (Variation ID: 2993931). Algorithms developed to predict the effect of sequence changes on RNA splicing suggest that this variant may disrupt the consensus splice site. In summary, the currently available evidence indicates that the variant is pathogenic, but additional data are needed to prove that conclusively. Therefore, this variant has been classified as Likely Pathogenic.

Fulgent Genetics
Classification: Likely pathogenic for Foveal hypoplasia - optic nerve decussation defect - anterior segment dysgenesis syndrome. Last evaluated: 2024-04-09. Review status: criteria provided, single submitter. Criteria: ACMG Guidelines, 2015. Collection method: clinical testing. Allele origin: germline.

Literature cited by the submitters: PubMed 16199547 (cited by Labcorp Genetics (formerly Invitae), Labcorp); PubMed 24290379 (cited by Labcorp Genetics (formerly Invitae), Labcorp).